The following is an entry in ClinVar:

NM_020971.3(SPTBN4):c.6477C>G (p.Pro2159=)

Gene: SPTBN4 (spectrin beta, non-erythrocytic 4; plus strand). Cytogenetic location: 19q13.2.
Variant type: single nucleotide variant.
Coding change: c.6477C>G on transcript NM_020971.3 (MANE Select); coding-DNA position 6477, C replaced by G.
Protein change: p.Pro2159=; no amino-acid change (proline 2159 retained).
Molecular consequence: synonymous variant.
Genome position (GRCh38, 1-based): chr19:40,567,803, C>G. VCF-style: chr19-40567803-C-G. GRCh37 (hg19) VCF-style: chr19-41073709-C-G.
Identifiers: ClinVar variation 3771230 (VCV003771230.13).
Genomic context (GRCh38, chr19:40,567,803, plus strand): 5'-ACTGGCGGCCAAGGCGGCGCCCCTGCTGCGGCCAGGGGGCTATGAAAGGGGCTTGGAGCC[C>G]CTGGCCCGCCGAGCCTCGGACACGCTCTCGGCCGAGGTGCGGACTCGGGTGGGGTATGTG-3'
Protein context (NP_066022.2, residues 2149-2169): RPGGYERGLE[Pro2159=]LARRASDTLS

ClinVar aggregate classification (germline): Likely benign (1 of 4 stars; one submission).

gnomAD v4.1: 13 of 1,508,742 alleles (0.00086%); highest among the groups gnomAD compares: Non-Finnish European, 0.0012%; no homozygotes.

Submission:

CeGaT Center for Human Genetics Tuebingen
Classification: Likely benign. Last evaluated: 2025-01-01. Review status: criteria provided, single submitter. Criteria: CeGaT Center For Human Genetics Tuebingen Variant Classification Criteria Version 2. Collection method: clinical testing. Allele origin: germline. Affected: yes. Observed: 1 variant allele.
Comment: SPTBN4: BP4, BP7